The following is an entry in ClinVar:

ClinVar aggregate classification (germline): Uncertain significance (1 of 4 stars; one submission).

Submission:

GeneDx
Classification: Uncertain significance. Last evaluated: 2025-05-18. Review status: criteria provided, single submitter. Criteria: GeneDx Variant Classification Process June 2021. Collection method: clinical testing. Allele origin: germline. Affected: yes.
Comment: Not observed at significant frequency in large population cohorts (gnomAD); In silico analysis supports that this missense variant has a deleterious effect on protein structure/function; Has not been previously published as pathogenic or benign to our knowledge

NM_003660.4(PPFIA3):c.1085A>T (p.Gln362Leu)

Gene: PPFIA3 (PPFI scaffold protein A3; plus strand). Cytogenetic location: 19q13.33.
Variant type: single nucleotide variant.
Coding change: c.1085A>T on transcript NM_003660.4 (MANE Select); coding-DNA position 1085, A replaced by T.
Protein change: p.Gln362Leu; replaces glutamine 362 with leucine.
Molecular consequence: missense variant. On other transcripts: non-coding transcript variant (1).
Genome position (GRCh38, 1-based): chr19:49,133,295, A>T. VCF-style: chr19-49133295-A-T. GRCh37 (hg19) VCF-style: chr19-49636552-A-T.
Other names: short protein forms Q362L.
Identifiers: ClinVar variation 4530961 (VCV004530961.1).
Genomic context (GRCh38, chr19:49,133,295, plus strand): 5'-AGAGTGAAGAGAAGAGCCGTCAGCTGGCCGAGTGGTTGGACGACGCCAAGCAGAAGCTGC[A>T]GCAGACGCTGCAGAAAGCGGAGACCTTGCCCGAGATAGAGGCGCAGCTGGCGCAGCGCGT-3'
Protein context (NP_003651.1, residues 352-372): EWLDDAKQKL[Gln362Leu]QTLQKAETLP